The following is an entry in ClinVar:

NM_152424.4(AMER1):c.185G>T (p.Gly62Val)

Gene: AMER1 (APC membrane recruitment protein 1; minus strand). Cytogenetic location: Xq11.2.
Variant type: single nucleotide variant.
Coding change: c.185G>T on transcript NM_152424.4 (MANE Select); coding-DNA position 185, G replaced by T.
Protein change: p.Gly62Val; replaces glycine 62 with valine.
Molecular consequence: missense variant.
Genome position (GRCh38, 1-based): chrX:64,193,102, C>A on the plus strand (G>T on the coding strand, the complement: AMER1 is on the minus strand). VCF-style: chrX-64193102-C-A. GRCh37 (hg19) VCF-style: chrX-63412982-C-A.
Other names: short protein forms G62V.
Identifiers: ClinVar variation 133495 (VCV000133495.12), dbSNP rs147040794, ClinGen allele CA156692.

ClinVar aggregate classification (germline): Likely benign. Review status: criteria provided, multiple submitters, no conflicts (2 of 4 stars). 3 submissions from 3 submitters: Likely benign (2). 1 of the submissions does not count toward it. Last evaluated 2025-07-25.

Allele frequency attached by ClinVar (database versions not stated): gnomAD exomes 0.00003 and 0.00004; ExAC 0.00006; TOPMed 0.00006; gnomAD 0.00011 and 0.00012; ESP Exome Variant Server 0.00019; 1000 Genomes Project 30x 0.00042; 1000 Genomes Project 0.00053.

Submissions (3):

Labcorp Genetics (formerly Invitae), Labcorp
Classification: Likely benign. Last evaluated: 2025-07-25. Review status: criteria provided, single submitter. Criteria: Invitae Variant Classification Sherloc (09022015). Collection method: clinical testing. Allele origin: germline.

Breakthrough Genomics
Classification: Likely benign. Review status: criteria provided, single submitter. Criteria: ACMG Guidelines, 2015. Collection method: not provided. Allele origin: germline. Inheritance: X-linked inheritance. Affected: yes.

ITMI
No classification provided. Condition: AllHighlyPenetrant. Last evaluated: 2013-09-19. Review status: no classification provided. Collection method: reference population. Allele origin: germline. Not counted in ClinVar's aggregate classification.
Comment: Please see associated publication for description of ethnicities

Literature cited by the submitters: PubMed 24728327 (cited by ITMI).